The following is an entry in ClinVar:

NM_001042472.3(ABHD12):c.1054C>T (p.Arg352Ter)

Gene: ABHD12 (abhydrolase domain containing 12, lysophospholipase; minus strand). Cytogenetic location: 20p11.21.
Variant type: single nucleotide variant.
Coding change: c.1054C>T on transcript NM_001042472.3 (MANE Select); coding-DNA position 1054, C replaced by T.
Protein change: p.Arg352Ter; replaces arginine 352 with a stop codon.
Molecular consequence: nonsense.
Genome position (GRCh38, 1-based): chr20:25,302,322, G>A on the plus strand (C>T on the coding strand, the complement: ABHD12 is on the minus strand). VCF-style: chr20-25302322-G-A. GRCh37 (hg19) VCF-style: chr20-25282958-G-A.
Other names: c.1054C>T, p.Arg352Ter (NM_015600.5); short protein forms R352*.
Identifiers: ClinVar variation 27 (VCV000000027.39), dbSNP rs267606624, ClinGen allele CA113811.

ClinVar aggregate classification (germline): Pathogenic. Review status: criteria provided, multiple submitters, no conflicts (2 of 4 stars). 6 submissions from 6 submitters: Pathogenic (5). 1 of the submissions does not count toward it. Last evaluated 2025-09-10.

Conditions:
ABHD12-related disorder. Also called: ABHD12-related condition.
PHARC syndrome. Also called: Polyneuropathy-hearing loss-ataxia-retinitis pigmentosa-cataract syndrome. Identifiers: Orphanet 171848, MedGen C2675204, MONDO:0012984, OMIM 612674.

Allele frequency attached by ClinVar (database versions not stated): TOPMed below 0.00001; gnomAD exomes 0.00001.
gnomAD v4.1: 14 of 1,613,580 alleles (0.00087%); highest among the groups gnomAD compares: Non-Finnish European, 0.0011%; no homozygotes.

Submissions (6):

Labcorp Genetics (formerly Invitae), Labcorp
Classification: Pathogenic. Last evaluated: 2025-09-10. Review status: criteria provided, single submitter. Criteria: Invitae Variant Classification Sherloc (09022015). Collection method: clinical testing. Allele origin: germline.
Comment: This sequence change creates a premature translational stop signal (p.Arg352*) in the ABHD12 gene. It is expected to result in an absent or disrupted protein product. Loss-of-function variants in ABHD12 are known to be pathogenic (PMID: 20797687). This variant is not present in population databases (gnomAD no frequency). This premature translational stop signal has been observed in individual(s) with PHARC (Polyneuropathy, Hearing loss, Ataxia, Retinitis pigmentosa, and Cataract) (PMID: 20797687). ClinVar contains an entry for this variant (Variation ID: 27). Algorithms developed to predict the effect of sequence changes on RNA splicing suggest that this variant may disrupt the consensus splice site. For these reasons, this variant has been classified as Pathogenic.

Blueprint Genetics
Classification: Pathogenic for ABHD12-related disorders. Last evaluated: 2024-08-05. Review status: criteria provided, single submitter. Criteria: ACMG Guidelines, 2015. Collection method: clinical testing. Allele origin: germline. Affected: yes. Observed: 5 variant alleles.

Women's Health and Genetics/Laboratory Corporation of America, LabCorp
Classification: Pathogenic for PHARC syndrome. Last evaluated: 2024-01-03. Review status: criteria provided, single submitter. Criteria: LabCorp Variant Classification Summary - May 2015. Collection method: clinical testing. Allele origin: germline.
Comment: Variant summary: ABHD12 c.1054C>T (p.Arg352X) results in a premature termination codon, predicted to cause a truncation of the encoded protein or absence of the protein due to nonsense mediated decay, which are commonly known mechanisms for disease. The variant was absent in 251386 control chromosomes (gnomAD). c.1054C>T has been reported in the literature in individuals affected with PHARC Syndrome (e.g., Fiskerstrand_2010). These data indicate that the variant is likely to be associated with disease. The following publication was ascertained in the context of this evaluation (PMID: 20797687). Three submitters have reported clinical-significance assessments for this variant to ClinVar after 2014. All submitters classified the variant as pathogenic. Based on the evidence outlined above, the variant was classified as pathogenic.

CeGaT Center for Human Genetics Tuebingen
Classification: Pathogenic. Last evaluated: 2023-01-01. Review status: criteria provided, single submitter. Criteria: CeGaT Center For Human Genetics Tuebingen Variant Classification Criteria Version 2. Collection method: clinical testing. Allele origin: germline. Affected: yes. Observed: 1 variant allele.
Comment: ABHD12: PVS1, PM2, PM3

Dasa
Classification: Pathogenic for PHARC syndrome. Last evaluated: 2022-01-05. Review status: criteria provided, single submitter. Criteria: ACMG Guidelines, 2015. Collection method: clinical testing. Allele origin: germline. Affected: yes. Observed: 1 variant allele.
Comment: The c.1054C>T;p.(Arg352*) variant creates a premature translational stop signal in the ABHD12 gene. It is expected to result in an absent or disrupted protein product -PVS1. This sequence change has been observed in affected individual(s) and ClinVar contains an entry for this variant (ClinVar ID: 27; OMIM: 613599.0004; PMID: 20797687) - PS4. This variant is not present in population databases (rs267606624, gnomAD; ABraOM no frequency) - PM2. The p.(Arg352*) was detected in trans with a pathogenic variant (PMID: 20797687) - PM3. In summary, the currently available evidence indicates that the variant is pathogenic.

OMIM
Classification: Pathogenic for POLYNEUROPATHY, HEARING LOSS, ATAXIA, RETINITIS PIGMENTOSA, AND CATARACT. Last evaluated: 2010-09-10. Review status: no assertion criteria provided. Collection method: literature only. Allele origin: germline. Not counted in ClinVar's aggregate classification.

Literature cited by the submitters: PubMed 20797687 (cited by 4 submitters).